The following is an entry in ClinVar:

ClinVar aggregate classification (germline): Likely benign. Review status: criteria provided, multiple submitters, no conflicts (2 of 4 stars). 2 submissions from 2 submitters: Likely benign (2). Last evaluated 2025-02-02.

Allele frequency attached by ClinVar (database versions not stated): gnomAD exomes 0.00001; gnomAD 0.00006.
gnomAD v4.1: 23 of 1,037,708 alleles (0.0022%); highest among the groups gnomAD compares: African/African-American, 0.0036%; no homozygotes.

Submissions (2):

Labcorp Genetics (formerly Invitae), Labcorp
Classification: Likely benign. Last evaluated: 2025-02-02. Review status: criteria provided, single submitter. Criteria: Invitae Variant Classification Sherloc (09022015). Collection method: clinical testing. Allele origin: germline.

CeGaT Center for Human Genetics Tuebingen
Classification: Likely benign. Last evaluated: 2022-05-01. Review status: criteria provided, single submitter. Criteria: CeGaT Center For Human Genetics Tuebingen Variant Classification Criteria Version 2. Collection method: clinical testing. Allele origin: germline. Affected: yes. Observed: 1 variant allele.
Comment: GRIN2D: BP4, BP7

NM_000836.4(GRIN2D):c.3132A>C (p.Pro1044=)

Gene: GRIN2D (glutamate ionotropic receptor NMDA type subunit 2D; plus strand). Cytogenetic location: 19q13.33.
Variant type: single nucleotide variant.
Coding change: c.3132A>C on transcript NM_000836.4 (MANE Select); coding-DNA position 3132, A replaced by C.
Protein change: p.Pro1044=; no amino-acid change (proline 1044 retained).
Molecular consequence: synonymous variant.
Genome position (GRCh38, 1-based): chr19:48,443,058, A>C. VCF-style: chr19-48443058-A-C. GRCh37 (hg19) VCF-style: chr19-48946315-A-C.
Identifiers: ClinVar variation 2053043 (VCV002053043.28), dbSNP rs1167367329, ClinGen allele CA508265102.